The following is an entry in ClinVar:

NM_152564.5(VPS13B):c.5233G>A (p.Glu1745Lys)

Gene: VPS13B (vacuolar protein sorting 13 homolog B; plus strand). Cytogenetic location: 8q22.2.
Variant type: single nucleotide variant.
Coding change: c.5233G>A on transcript NM_152564.5 (MANE Select); coding-DNA position 5233, G replaced by A.
Protein change: p.Glu1745Lys; replaces glutamic acid 1745 with lysine.
Molecular consequence: missense variant.
Genome position (GRCh38, 1-based): chr8:99,641,823, G>A. VCF-style: chr8-99641823-G-A. GRCh37 (hg19) VCF-style: chr8-100654051-G-A.
Other names: c.5308G>A, p.Glu1770Lys (NM_017890.5); short protein forms E1745K, E1770K.
Identifiers: ClinVar variation 2009364 (VCV002009364.4), dbSNP rs1279522825, ClinGen allele CA371872106.

ClinVar aggregate classification (germline): Uncertain significance (1 of 4 stars; one submission).

Conditions:
Cohen syndrome (COH1). Also called: PEPPER SYNDROME; Cutis verticis gyrata, retinitis pigmentosa, and sensorineural deafness. Identifiers: Orphanet 193, MedGen C0265223, MONDO:0008999, OMIM 216550.

Submission:

Labcorp Genetics (formerly Invitae), Labcorp
Classification: Uncertain significance for Cohen syndrome. Last evaluated: 2022-06-22. Review status: criteria provided, single submitter. Criteria: Invitae Variant Classification Sherloc (09022015). Collection method: clinical testing. Allele origin: germline.
Comment: In summary, the available evidence is currently insufficient to determine the role of this variant in disease. Therefore, it has been classified as a Variant of Uncertain Significance. Algorithms developed to predict the effect of missense changes on protein structure and function are either unavailable or do not agree on the potential impact of this missense change (SIFT: "Not Available"; PolyPhen-2: "Possibly Damaging"; Align-GVGD: "Not Available"). This variant has not been reported in the literature in individuals affected with VPS13B-related conditions. This variant is not present in population databases (gnomAD no frequency). This sequence change replaces glutamic acid, which is acidic and polar, with lysine, which is basic and polar, at codon 1770 of the VPS13B protein (p.Glu1770Lys).